The following is an entry in ClinVar:

NM_058216.3(RAD51C):c.252G>T (p.Lys84Asn)

Gene: RAD51C (RAD51 paralog C; plus strand). Cytogenetic location: 17q22.
Variant type: single nucleotide variant.
Coding change: c.252G>T on transcript NM_058216.3 (MANE Select); coding-DNA position 252, G replaced by T.
Protein change: p.Lys84Asn; replaces lysine 84 with asparagine.
Molecular consequence: missense variant. On other transcripts: non-coding transcript variant (2).
Genome position (GRCh38, 1-based): chr17:58,695,037, G>T. VCF-style: chr17-58695037-G-T. GRCh37 (hg19) VCF-style: chr17-56772398-G-T.
Other names: c.252G>T, p.Lys84Asn (NM_002876.4); short protein forms K84N.
Identifiers: ClinVar variation 186362 (VCV000186362.34), dbSNP rs786202890, ClinGen allele CA194603.

ClinVar aggregate classification (germline): Conflicting classifications of pathogenicity. Review status: criteria provided, conflicting classifications (1 of 4 stars). 10 submissions from 10 submitters: Uncertain significance (6); Likely benign (3). 1 of the submissions does not count toward it. Last evaluated 2025-10-30.

Conditions:
RAD51C-related disorder. Also called: RAD51C-related condition; RAD51C-related disorders.
Hereditary cancer-predisposing syndrome. Also called: Hereditary Cancer Syndrome; Neoplastic Syndromes, Hereditary; Tumor predisposition; Hereditary neoplastic syndrome. Identifiers: Orphanet 140162, MedGen C0027672, MeSH D009386, MONDO:0015356.
Hereditary breast ovarian cancer syndrome. Also called: Hereditary breast and ovarian cancer; Hereditary breast and ovarian cancer syndrome; Breast and ovarian cancer; Hereditary breast and ovarian cancer syndrome (HBOC); Hereditary breast and/or ovarian cancer syndrome; BRCA1- and BRCA2-Associated Hereditary Breast and Ovarian Cancer. Identifiers: Orphanet 145, MedGen C0677776, MeSH D061325, MONDO:0003582. Disease mechanism: loss of function.
Familial ovarian cancer. Identifiers: MedGen C5679802, MONDO:0016248.
Fanconi anemia complementation group O. Also called: RAD51C-Related Fanconi Anemia. Identifiers: Orphanet 84, MedGen C3150653, MONDO:0013248, OMIM 613390.
Breast-ovarian cancer, familial, susceptibility to, 3. Also called: RAD51C-Related Breast/Ovarian Cancer. Identifiers: Orphanet 145, MedGen C3150659, MONDO:0013253, OMIM 613399.

Allele frequency attached by ClinVar (database versions not stated): gnomAD 0.00001; TOPMed 0.00001; gnomAD exomes 0.00001.
gnomAD v4.1: 63 of 1,613,954 alleles (0.0039%); highest among the groups gnomAD compares: Non-Finnish European, 0.0049%; no homozygotes.

Submissions (10):

Color Diagnostics, LLC DBA Color Health
Classification: Likely benign for Hereditary cancer-predisposing syndrome. Last evaluated: 2025-10-30. Review status: criteria provided, single submitter. Criteria: ACMG Guidelines, 2015. Collection method: clinical testing. Allele origin: germline.

Labcorp Genetics (formerly Invitae), Labcorp
Classification: Uncertain significance for Fanconi anemia complementation group O. Last evaluated: 2025-09-16. Review status: criteria provided, single submitter. Criteria: Invitae Variant Classification Sherloc (09022015). Collection method: clinical testing. Allele origin: germline.
Comment: This sequence change replaces lysine, which is basic and polar, with asparagine, which is neutral and polar, at codon 84 of the RAD51C protein (p.Lys84Asn). This variant is present in population databases (rs786202890, gnomAD 0.002%). This missense change has been observed in individual(s) with ovarian cancer or breast cancer (PMID: 26261251, 35039523). ClinVar contains an entry for this variant (Variation ID: 186362). Invitae Evidence Modeling of protein sequence and biophysical properties (such as structural, functional, and spatial information, amino acid conservation, physicochemical variation, residue mobility, and thermodynamic stability) indicates that this missense variant is not expected to disrupt RAD51C protein function with a negative predictive value of 80%. In summary, the available evidence is currently insufficient to determine the role of this variant in disease. Therefore, it has been classified as a Variant of Uncertain Significance.

Institute for Biomarker Research, Medical Diagnostic Laboratories, L.L.C.
Classification: Uncertain significance for Hereditary breast ovarian cancer syndrome. Last evaluated: 2025-05-07. Review status: criteria provided, single submitter. Criteria: ACMG Guidelines, 2015. Collection method: clinical testing. Allele origin: germline.
Comment: The missense variant NM_058216.3(RAD51C):c.252G>T (p.Lys84Asn) has not been reported previously as a pathogenic variant, to our knowledge. The p.Lys84Asn variant is novel (not in any individuals) in 1kG. There is a moderate physicochemical difference between lysine and asparagine. For these reasons, this variant has been classified as Uncertain Significance.

Myriad Genetics, Inc.
Classification: Likely benign for Breast-ovarian cancer, familial, susceptibility to, 3. Last evaluated: 2025-02-14. Review status: criteria provided, single submitter. Criteria: Myriad Autosomal Dominant, Autosomal Recessive and X-Linked Classification Criteria (2023). Collection method: clinical testing. Allele origin: unknown.
Comment: This variant is considered likely benign. This variant is strongly associated with less severe personal and family histories of cancer, typical for individuals without pathogenic variants in this gene [PMID: 25085752].

Molecular Pathology, Peter Maccallum Cancer Centre
Classification: Uncertain significance for Familial ovarian cancer. Last evaluated: 2024-08-06. Review status: criteria provided, single submitter. Criteria: ACMG Guidelines, 2015. Collection method: clinical testing. Allele origin: germline. Inheritance: Autosomal dominant inheritance.

Ambry Genetics
Classification: Likely benign for Hereditary cancer-predisposing syndrome. Last evaluated: 2024-07-23. Review status: criteria provided, single submitter. Criteria: Ambry Variant Classification Scheme 2023. Collection method: clinical testing. Allele origin: germline.

Baylor Genetics
Classification: Uncertain significance for Breast-ovarian cancer, familial, susceptibility to, 3. Last evaluated: 2024-03-24. Review status: criteria provided, single submitter. Criteria: ACMG Guidelines, 2015. Collection method: clinical testing. Allele origin: unknown.

GeneDx
Classification: Uncertain significance. Last evaluated: 2023-11-28. Review status: criteria provided, single submitter. Criteria: GeneDx Variant Classification Process June 2021. Collection method: clinical testing. Allele origin: germline. Affected: yes.
Comment: Not observed at significant frequency in large population cohorts (gnomAD); In silico analysis supports that this missense variant does not alter protein structure/function; This variant is associated with the following publications: (PMID: 26261251, 35039523, 14704354)

Women's Health and Genetics/Laboratory Corporation of America, LabCorp
Classification: Uncertain significance. Last evaluated: 2017-09-07. Review status: criteria provided, single submitter. Criteria: LabCorp Variant Classification Summary - May 2015. Collection method: clinical testing. Allele origin: germline.
Comment: Variant summary: The RAD51C c.252G>T (p.Lys84Asn) variant involves the alteration of a non-conserved nucleotide. 2/4 in silico tools predict a benign outcome for this variant (SNPsandGO not captured due to low reliability index). This variant is absent in 126910 control chromosomes. The variant has been reported in one patient with ovarian cancer, without strong evidence for causality. In addition, multiple clinical diagnostic laboratories/reputable databases classified this variant as uncertain significance. Taken together, this variant is classified as VUS.

PreventionGenetics, part of Exact Sciences
Classification: Uncertain significance for RAD51C-related condition. Last evaluated: 2024-01-05. Review status: no assertion criteria provided. Collection method: clinical testing. Allele origin: germline. Not counted in ClinVar's aggregate classification.
Comment: The RAD51C c.252G>T variant is predicted to result in the amino acid substitution p.Lys84Asn. This variant has been reported as a variant of uncertain significance in a patient with ovarian cancer (Song et al. 2015. PubMed ID: 26261251). This variant is reported in 0.0018% of alleles in individuals of European (Non-Finnish) descent in gnomAD. In ClinVar, this variant is interpreted as a variant of uncertain significance by multiple laboratories. At this time, the clinical significance of this variant is uncertain due to the absence of conclusive functional and genetic evidence.

Literature cited by the submitters: PubMed 26261251 (cited by 3 submitters); PubMed 35039523 (cited by Labcorp Genetics (formerly Invitae), Labcorp); PubMed 25085752 (cited by Myriad Genetics, Inc.); PubMed 37253112 (cited by Ambry Genetics).